The following is an entry in ClinVar:

NM_002439.5(MSH3):c.1417A>T (p.Thr473Ser)

Gene: MSH3 (mutS homolog 3; plus strand). Cytogenetic location: 5q14.1.
Variant type: single nucleotide variant.
Coding change: c.1417A>T on transcript NM_002439.5 (MANE Select); coding-DNA position 1417, A replaced by T.
Protein change: p.Thr473Ser; replaces threonine 473 with serine.
Molecular consequence: missense variant.
Genome position (GRCh38, 1-based): chr5:80,725,529, A>T. VCF-style: chr5-80725529-A-T. GRCh37 (hg19) VCF-style: chr5-80021348-A-T.
Other names: short protein forms T473S.
Identifiers: ClinVar variation 2848732 (VCV002848732.3), dbSNP rs754194859, ClinGen allele CA360273624.

ClinVar aggregate classification (germline): Uncertain significance (1 of 4 stars; one submission).

Allele frequency attached by ClinVar (database versions not stated): TOPMed below 0.00001.

Submission:

Labcorp Genetics (formerly Invitae), Labcorp
Classification: Uncertain significance. Last evaluated: 2023-03-23. Review status: criteria provided, single submitter. Criteria: Invitae Variant Classification Sherloc (09022015). Collection method: clinical testing. Allele origin: germline.
Comment: This sequence change replaces threonine, which is neutral and polar, with serine, which is neutral and polar, at codon 473 of the MSH3 protein (p.Thr473Ser). This variant is not present in population databases (gnomAD no frequency). This variant has not been reported in the literature in individuals affected with MSH3-related conditions. An algorithm developed to predict the effect of missense changes on protein structure and function (PolyPhen-2) suggests that this variant is likely to be tolerated. In summary, the available evidence is currently insufficient to determine the role of this variant in disease. Therefore, it has been classified as a Variant of Uncertain Significance.